The following is an entry in ClinVar:

ClinVar aggregate classification (germline): Uncertain significance (1 of 4 stars; one submission).

Allele frequency attached by ClinVar (database versions not stated): gnomAD exomes below 0.00001; gnomAD 0.00001; TOPMed 0.00001.
gnomAD v4.1: 8 of 1,613,688 alleles (0.0005%); highest among the groups gnomAD compares: Non-Finnish European, 0.00068%; no homozygotes.

Submissions (2):

Labcorp Genetics (formerly Invitae), Labcorp
Classification: Uncertain significance. Last evaluated: 2025-11-28. Review status: criteria provided, single submitter. Criteria: Invitae Variant Classification Sherloc (09022015). Collection method: clinical testing. Allele origin: germline.
Comment: This sequence change falls in intron 24 of the MICAL1 gene. It does not directly change the encoded amino acid sequence of the MICAL1 protein. It affects a nucleotide within the consensus splice site. This variant is present in population databases (no rsID available, gnomAD 0.002%). This variant has not been reported in the literature in individuals affected with MICAL1-related conditions. ClinVar contains an entry for this variant (Variation ID: 1900023). Variants that disrupt the consensus splice site are a relatively common cause of aberrant splicing (PMID: 17576681, 9536098). Algorithms developed to predict the effect of sequence changes on RNA splicing suggest that this variant is not likely to affect RNA splicing. In summary, the available evidence is currently insufficient to determine the role of this variant in disease. Therefore, it has been classified as a Variant of Uncertain Significance.

Dr. Peter K. Rogan Lab, Western University
No classification provided (evidence only). Condition: Acute myeloid leukemia. Review status: no classification provided. Collection method: in vitro. Allele origin: not applicable. Functional consequence: retained intron. Not counted in ClinVar's aggregate classification.

Literature cited by the submitters: PubMed 17576681 (cited by Labcorp Genetics (formerly Invitae), Labcorp); PubMed 9536098 (cited by Labcorp Genetics (formerly Invitae), Labcorp).

NM_022765.4(MICAL1):c.3055+6T>C

Gene: MICAL1 (microtubule associated monooxygenase, calponin and LIM domain containing 1; minus strand). Cytogenetic location: 6q21.
Variant type: single nucleotide variant.
Coding change: c.3055+6T>C on transcript NM_022765.4 (MANE Select); 6 bases into the intron after coding-DNA position 3055, T replaced by C.
Molecular consequence: intron variant.
Genome position (GRCh38, 1-based): chr6:109,444,719, A>G on the plus strand (T>C on the coding strand, the complement: MICAL1 is on the minus strand). VCF-style: chr6-109444719-A-G. GRCh37 (hg19) VCF-style: chr6-109765922-A-G.
Other names: c.3112+6T>C (NM_001286613.2); c.2797+6T>C (NM_001159291.2).
Identifiers: ClinVar variation 1900023 (VCV001900023.6), dbSNP rs1446507824, ClinGen allele CA451751752.